The following is an entry in ClinVar:

NM_002693.3(POLG):c.3356T>C (p.Leu1119Pro)

Gene: POLG (DNA polymerase gamma, catalytic subunit; minus strand). Cytogenetic location: 15q26.1.
Variant type: single nucleotide variant.
Coding change: c.3356T>C on transcript NM_002693.3 (MANE Select); coding-DNA position 3356, T replaced by C.
Protein change: p.Leu1119Pro; replaces leucine 1119 with proline.
Molecular consequence: missense variant.
Genome position (GRCh38, 1-based): chr15:89,318,667, A>G on the plus strand (T>C on the coding strand, the complement: POLG is on the minus strand). VCF-style: chr15-89318667-A-G. GRCh37 (hg19) VCF-style: chr15-89861898-A-G.
Other names: c.3356T>C, p.Leu1119Pro (NM_001126131.2); short protein forms L1119P.
Identifiers: ClinVar variation 1422596 (VCV001422596.7), dbSNP rs2152058721, ClinGen allele CA393749905.
Genomic context (GRCh38, chr15:89,318,667, plus strand): 5'-TAGCGAACCTCGTCATGGATGCTGATGCAGAAGCGCCCATCTATGGCAAACTCTTCAAAC[A>G]GCCACTTCATGGCCACAAGCATGAGGTGTAAGTAGTCAACAGCAGAGCTCTGTACCACCC-3'
Protein context (NP_002684.1, residues 1109-1129): LHLMLVAMKW[Leu1119Pro]FEEFAIDGRF

ClinVar aggregate classification (germline): Uncertain significance. Review status: criteria provided, multiple submitters, no conflicts (2 of 4 stars). 2 submissions from 2 submitters: Uncertain significance (2). Last evaluated 2024-11-19.

Conditions:
Progressive sclerosing poliodystrophy (MTDPS4A). Also called: ALPERS PROGRESSIVE INFANTILE POLIODYSTROPHY; NEURONAL DEGENERATION OF CHILDHOOD WITH LIVER DISEASE, PROGRESSIVE; Alpers Syndrome; ALPERS DIFFUSE DEGENERATION OF CEREBRAL GRAY MATTER WITH HEPATIC CIRRHOSIS; Alpers-Huttenlocher Syndrome; Mitochondrial DNA depletion syndrome 4A (Alpers type). Identifiers: Orphanet 726, MedGen C0205710, MONDO:0008758, OMIM 203700.

gnomAD v4.1: 2 of 1,614,234 alleles (0.00012%); highest among the groups gnomAD compares: East Asian, 0.0022%; no homozygotes.

Submissions (2):

Women's Health and Genetics/Laboratory Corporation of America, LabCorp
Classification: Uncertain significance. Last evaluated: 2024-11-19. Review status: criteria provided, single submitter. Criteria: LabCorp Variant Classification Summary - May 2015. Collection method: clinical testing. Allele origin: germline.
Comment: Variant summary: POLG c.3356T>C (p.Leu1119Pro) results in a non-conservative amino acid change located in the DNA-directed DNA polymerase, family A, palm domain of the encoded protein sequence. Five of five in-silico tools predict a damaging effect of the variant on protein function. The variant was absent in 251116 control chromosomes. The available data on variant occurrences in the general population are insufficient to allow any conclusion about variant significance. c.3356T>C has been reported in the literature in at-least one individual affected with POLG-Related Spectrum Disorders (example: Haviland_2023). These data do not allow any conclusion about variant significance. To our knowledge, no experimental evidence demonstrating an impact on protein function has been reported. The following publication has been ascertained in the context of this evaluation (PMID: 36403551). ClinVar contains an entry for this variant (Variation ID: 1422596). Based on the evidence outlined above, the variant was classified as uncertain significance.

Labcorp Genetics (formerly Invitae), Labcorp
Classification: Uncertain significance for Progressive sclerosing poliodystrophy. Last evaluated: 2021-08-31. Review status: criteria provided, single submitter. Criteria: Invitae Variant Classification Sherloc (09022015). Collection method: clinical testing. Allele origin: germline.
Comment: This sequence change replaces leucine with proline at codon 1119 of the POLG protein (p.Leu1119Pro). The leucine residue is highly conserved and there is a moderate physicochemical difference between leucine and proline. This variant is not present in population databases (ExAC no frequency). This variant has not been reported in the literature in individuals affected with POLG-related conditions. Algorithms developed to predict the effect of missense changes on protein structure and function (SIFT, PolyPhen-2, Align-GVGD) all suggest that this variant is likely to be disruptive. In summary, the available evidence is currently insufficient to determine the role of this variant in disease. Therefore, it has been classified as a Variant of Uncertain Significance.

Literature cited by the submitters: PubMed 36403551 (cited by Women's Health and Genetics/Laboratory Corporation of America, LabCorp).